The following is an entry in ClinVar:

NM_001939.3(DRP2):c.1682G>A (p.Arg561His)

Gene: DRP2 (dystrophin related protein 2; plus strand). Cytogenetic location: Xq22.1.
Variant type: single nucleotide variant.
Coding change: c.1682G>A on transcript NM_001939.3 (MANE Select); coding-DNA position 1682, G replaced by A.
Protein change: p.Arg561His; replaces arginine 561 with histidine.
Molecular consequence: missense variant.
Genome position (GRCh38, 1-based): chrX:101,250,564, G>A. VCF-style: chrX-101250564-G-A. GRCh37 (hg19) VCF-style: chrX-100505553-G-A.
Other names: c.1448G>A, p.Arg483His (NM_001171184.2); c.1682G>A (NM_001939.2); short protein forms R483H, R561H.
Identifiers: ClinVar variation 1399802 (VCV001399802.8), dbSNP rs145693976, ClinGen allele CA333091174.

ClinVar aggregate classification (germline): Uncertain significance. Review status: criteria provided, multiple submitters, no conflicts (2 of 4 stars). 2 submissions from 2 submitters: Uncertain significance (2). Last evaluated 2025-08-21.

Allele frequency attached by ClinVar (database versions not stated): gnomAD exomes 0.00001; TOPMed 0.00001; ESP Exome Variant Server 0.00009.

Submissions (2):

Ambry Genetics
Classification: Uncertain significance. Last evaluated: 2025-08-21. Review status: criteria provided, single submitter. Criteria: Ambry Variant Classification Scheme 2023. Collection method: clinical testing. Allele origin: germline.

Labcorp Genetics (formerly Invitae), Labcorp
Classification: Uncertain significance. Last evaluated: 2022-04-04. Review status: criteria provided, single submitter. Criteria: Invitae Variant Classification Sherloc (09022015). Collection method: clinical testing. Allele origin: germline.
Comment: In summary, the available evidence is currently insufficient to determine the role of this variant in disease. Therefore, it has been classified as a Variant of Uncertain Significance. Algorithms developed to predict the effect of missense changes on protein structure and function (SIFT, PolyPhen-2, Align-GVGD) all suggest that this variant is likely to be disruptive. This variant has not been reported in the literature in individuals affected with DRP2-related conditions. The frequency data for this variant in the population databases is considered unreliable, as metrics indicate poor data quality at this position in the gnomAD database. This sequence change replaces arginine, which is basic and polar, with histidine, which is basic and polar, at codon 561 of the DRP2 protein (p.Arg561His).